The following is an entry in ClinVar:

ClinVar aggregate classification (germline): Likely benign. Review status: criteria provided, single submitter (1 of 4 stars). 2 submissions from 2 submitters: Likely benign (1). 1 of the submissions does not count toward it. Last evaluated 2023-10-13.

Conditions:
KCNH1-related disorder. Also called: KCNH1-related disorders; KCNH1-related condition.

gnomAD v4.1: 2 of 1,606,404 alleles (0.00012%); highest among the groups gnomAD compares: Non-Finnish European, 0.00017%; no homozygotes.

Submissions (2):

Labcorp Genetics (formerly Invitae), Labcorp
Classification: Likely benign. Last evaluated: 2023-10-13. Review status: criteria provided, single submitter. Criteria: Invitae Variant Classification Sherloc (09022015). Collection method: clinical testing. Allele origin: germline.

PreventionGenetics, part of Exact Sciences
Classification: Likely benign for KCNH1-related condition. Last evaluated: 2023-03-09. Review status: no assertion criteria provided. Collection method: clinical testing. Allele origin: germline. Not counted in ClinVar's aggregate classification.
Comment: This variant is classified as likely benign based on ACMG/AMP sequence variant interpretation guidelines (Richards et al. 2015 PMID: 25741868, with internal and published modifications).

NM_172362.3(KCNH1):c.339T>A (p.Ile113=)

Gene: KCNH1 (potassium voltage-gated channel subfamily H member 1; minus strand). Cytogenetic location: 1q32.2.
Variant type: single nucleotide variant.
Coding change: c.339T>A on transcript NM_172362.3 (MANE Select); coding-DNA position 339, T replaced by A.
Protein change: p.Ile113=; no amino-acid change (isoleucine 113 retained).
Molecular consequence: synonymous variant.
Genome position (GRCh38, 1-based): chr1:211,090,662, A>T on the plus strand (T>A on the coding strand, the complement: KCNH1 is on the minus strand). VCF-style: chr1-211090662-A-T. GRCh37 (hg19) VCF-style: chr1-211264004-A-T.
Other names: c.339T>A, p.Ile113= (NM_002238.4); c.339T>A (NM_172362.2).
Identifiers: ClinVar variation 1426023 (VCV001426023.8), dbSNP rs1691036202, ClinGen allele CA423116206.
Genomic context (GRCh38, chr1:211,090,662, plus strand): 5'-TATGTCACTGAAAGTGCAAAGAAATAAAACCACTTTATCCTGTTCGTTTCGAATTGGAGC[A>T]ATTTTCACAAAGAACCACACAGGTGTCCCTGAAAGGAATATCAAAAGGTTGGTCAGTAAT-3'
Protein context (NP_758872.1, residues 103-123): NRTPVWFFVK[Ile113=]APIRNEQDKV